The following is an entry in ClinVar:

NM_000234.3(LIG1):c.920G>A (p.Arg307Gln)

Gene: LIG1 (DNA ligase 1; minus strand). Cytogenetic location: 19q13.33.
Variant type: single nucleotide variant.
Coding change: c.920G>A on transcript NM_000234.3 (MANE Select); coding-DNA position 920, G replaced by A.
Protein change: p.Arg307Gln; replaces arginine 307 with glutamine.
Molecular consequence: missense variant. On other transcripts: non-coding transcript variant (6).
Genome position (GRCh38, 1-based): chr19:48,140,138, C>T on the plus strand (G>A on the coding strand, the complement: LIG1 is on the minus strand). VCF-style: chr19-48140138-C-T. GRCh37 (hg19) VCF-style: chr19-48643395-C-T.
Other names: c.827G>A, p.Arg276Gln (NM_001289063.2); c.716G>A, p.Arg239Gln (NM_001289064.2); c.917G>A, p.Arg306Gln (NM_001320970.2); c.830G>A, p.Arg277Gln (NM_001320971.2); short protein forms R307Q, R239Q, R277Q, R276Q, R306Q.
Identifiers: ClinVar variation 1928032 (VCV001928032.3), dbSNP rs1449664966, ClinGen allele CA406650160.

ClinVar aggregate classification (germline): Uncertain significance. Review status: criteria provided, multiple submitters, no conflicts (2 of 4 stars). 2 submissions from 2 submitters: Uncertain significance (2). Last evaluated 2022-02-18.

Allele frequency attached by ClinVar (database versions not stated): gnomAD 0.00002; gnomAD exomes 0.00002; TOPMed 0.00003.
gnomAD v4.1: 31 of 1,562,340 alleles (0.002%); highest among the groups gnomAD compares: African/African-American, 0.0082%; no homozygotes.

Submissions (2):

Labcorp Genetics (formerly Invitae), Labcorp
Classification: Uncertain significance. Last evaluated: 2022-02-18. Review status: criteria provided, single submitter. Criteria: Invitae Variant Classification Sherloc (09022015). Collection method: clinical testing. Allele origin: germline.
Comment: This sequence change replaces arginine, which is basic and polar, with glutamine, which is neutral and polar, at codon 307 of the LIG1 protein (p.Arg307Gln). This variant is present in population databases (no rsID available, gnomAD 0.008%). This variant has not been reported in the literature in individuals affected with LIG1-related conditions. Algorithms developed to predict the effect of missense changes on protein structure and function (SIFT, PolyPhen-2, Align-GVGD) all suggest that this variant is likely to be tolerated. In summary, the available evidence is currently insufficient to determine the role of this variant in disease. Therefore, it has been classified as a Variant of Uncertain Significance.

Ambry Genetics
Classification: Uncertain significance. Last evaluated: 2021-08-10. Review status: criteria provided, single submitter. Criteria: Ambry Variant Classification Scheme 2023. Collection method: clinical testing. Allele origin: germline.